The following is an entry in ClinVar:

ClinVar aggregate classification (germline): Uncertain significance (1 of 4 stars; one submission).

Submission:

GeneDx
Classification: Uncertain significance. Last evaluated: 2024-12-06. Review status: criteria provided, single submitter. Criteria: GeneDx Variant Classification Process June 2021. Collection method: clinical testing. Allele origin: germline. Affected: yes.
Comment: Not observed at significant frequency in large population cohorts (gnomAD); In silico analysis indicates that this missense variant does not alter protein structure/function; Has not been previously published as pathogenic or benign to our knowledge

NM_001291303.3(FAT4):c.9270A>T (p.Glu3090Asp)

Gene: FAT4 (FAT atypical cadherin 4; plus strand). Cytogenetic location: 4q28.1.
Variant type: single nucleotide variant.
Coding change: c.9270A>T on transcript NM_001291303.3 (MANE Select); coding-DNA position 9270, A replaced by T.
Protein change: p.Glu3090Asp; replaces glutamic acid 3090 with aspartic acid.
Molecular consequence: missense variant.
Genome position (GRCh38, 1-based): chr4:125,450,280, A>T. VCF-style: chr4-125450280-A-T. GRCh37 (hg19) VCF-style: chr4-126371435-A-T.
Other names: c.9270A>T, p.Glu3090Asp (NM_001291285.3); c.9264A>T, p.Glu3088Asp (NM_024582.6); short protein forms E3088D, E3090D.
Identifiers: ClinVar variation 3901766 (VCV003901766.1).